The following is an entry in ClinVar:

NM_001966.4(EHHADH):c.1983C>T (p.Gly661=)

Gene: EHHADH (enoyl-CoA hydratase and 3-hydroxyacyl CoA dehydrogenase; minus strand). Cytogenetic location: 3q27.2.
Variant type: single nucleotide variant.
Coding change: c.1983C>T on transcript NM_001966.4 (MANE Select); coding-DNA position 1983, C replaced by T.
Protein change: p.Gly661=; no amino-acid change (glycine 661 retained).
Molecular consequence: synonymous variant.
Genome position (GRCh38, 1-based): chr3:185,192,415, G>A on the plus strand (C>T on the coding strand, the complement: EHHADH is on the minus strand). VCF-style: chr3-185192415-G-A. GRCh37 (hg19) VCF-style: chr3-184910203-G-A.
Other names: c.1695C>T, p.Gly565= (NM_001166415.2).
Identifiers: ClinVar variation 740788 (VCV000740788.5), dbSNP rs371169804, ClinGen allele CA2738880.

ClinVar aggregate classification (germline): Likely benign. Review status: criteria provided, single submitter (1 of 4 stars). 2 submissions from 2 submitters: Likely benign (1). 1 of the submissions does not count toward it. Last evaluated 2018-05-14.

Conditions:
EHHADH-related disorder. Also called: EHHADH-related condition.

Allele frequency attached by ClinVar (database versions not stated): ESP Exome Variant Server 0.00008; gnomAD 0.00010 and 0.00013; TOPMed 0.00013; 1000 Genomes Project 0.00040; 1000 Genomes Project 30x 0.00062.
gnomAD v4.1: 160 of 1,614,178 alleles (0.0099%); highest among the groups gnomAD compares: South Asian, 0.059%; no homozygotes.

Submissions (2):

Labcorp Genetics (formerly Invitae), Labcorp
Classification: Likely benign. Last evaluated: 2018-05-14. Review status: criteria provided, single submitter. Criteria: Invitae Variant Classification Sherloc (09022015). Collection method: clinical testing. Allele origin: germline.

PreventionGenetics, part of Exact Sciences
Classification: Likely benign for EHHADH-related condition. Last evaluated: 2022-07-13. Review status: no assertion criteria provided. Collection method: clinical testing. Allele origin: germline. Not counted in ClinVar's aggregate classification.
Comment: This variant is classified as likely benign based on ACMG/AMP sequence variant interpretation guidelines (Richards et al. 2015 PMID: 25741868, with internal and published modifications).